The following is an entry in ClinVar:

NC_012920.1(MT-CO3):m.9331T>C

Gene: MT-CO3 (mitochondrially encoded cytochrome c oxidase III; plus strand).
Variant type: single nucleotide variant.
Genome position: chrM-9331-T-C.
Identifiers: ClinVar variation 693151 (VCV000693151.1), dbSNP rs1603222252, ClinGen allele CA414802711.

ClinVar aggregate classification (germline): Uncertain significance (1 of 4 stars; one submission).

Conditions:
Leigh syndrome (NULS). Also called: Leigh's necrotizing encephalopathy; Leigh's disease; Leigh Syndrome (mtDNA deletion); Leigh Disease; Subacute necrotizing encephalopathy; Necrotizing encephalopathy infantile subacute of Leigh. Identifiers: Orphanet 506, MedGen C2931891, MONDO:0009723, OMIM 256000.

Submission:

Wong Mito Lab, Molecular and Human Genetics, Baylor College of Medicine
Classification: Uncertain significance for Leigh syndrome. Last evaluated: 2019-10-17. Review status: criteria provided, single submitter. Criteria: Modified ACMG Guidelines (Unpublished). Collection method: clinical testing. Allele origin: germline.
Comment: The NC_012920.1:m.9331T>C (YP_003024032.1:p.Leu42Pro) variant in MTCO3 gene is interpretated to be a Uncertain Significance variant based on the modified ACMG guidelines (unpublished). This variant meets the following evidence codes: PP7